The following is an entry in ClinVar:

ClinVar aggregate classification (germline): Uncertain significance. Review status: criteria provided, multiple submitters, no conflicts (2 of 4 stars). 2 submissions from 2 submitters: Uncertain significance (2). Last evaluated 2024-10-17.

Conditions:
Arrhythmogenic right ventricular dysplasia 9 (ARVD9). Also called: Arrhythmogenic Right Ventricular Dysplasia/Cardiomyopathy 9; ARRHYTHMOGENIC RIGHT VENTRICULAR DYSPLASIA, FAMILIAL, 9. Identifiers: MedGen C1836906, MONDO:0012180, OMIM 609040.

Submissions (2):

Labcorp Genetics (formerly Invitae), Labcorp
Classification: Uncertain significance for Arrhythmogenic right ventricular dysplasia 9. Last evaluated: 2024-10-17. Review status: criteria provided, single submitter. Criteria: Invitae Variant Classification Sherloc (09022015). Collection method: clinical testing. Allele origin: germline.
Comment: This sequence change replaces glycine, which is neutral and non-polar, with aspartic acid, which is acidic and polar, at codon 504 of the PKP2 protein (p.Gly504Asp). This variant is not present in population databases (gnomAD no frequency). This variant has not been reported in the literature in individuals affected with PKP2-related conditions. ClinVar contains an entry for this variant (Variation ID: 652340). An algorithm developed to predict the effect of missense changes on protein structure and function (PolyPhen-2) suggests that this variant is likely to be disruptive. In summary, the available evidence is currently insufficient to determine the role of this variant in disease. Therefore, it has been classified as a Variant of Uncertain Significance.

GeneDx
Classification: Uncertain significance. Last evaluated: 2024-07-01. Review status: criteria provided, single submitter. Criteria: GeneDx Variant Classification Process June 2021. Collection method: clinical testing. Allele origin: germline. Affected: yes.
Comment: Not observed at significant frequency in large population cohorts (gnomAD); In silico analysis supports that this missense variant has a deleterious effect on protein structure/function; Has not been previously published as pathogenic or benign to our knowledge

NM_001005242.3(PKP2):c.1379G>A (p.Gly460Asp)

Gene: PKP2 (plakophilin 2; minus strand). Cytogenetic location: 12p11.21.
Variant type: single nucleotide variant.
Coding change: c.1379G>A on transcript NM_001005242.3 (MANE Select); coding-DNA position 1379, G replaced by A.
Protein change: p.Gly460Asp; replaces glycine 460 with aspartic acid.
Molecular consequence: missense variant.
Genome position (GRCh38, 1-based): chr12:32,841,205, C>T on the plus strand (G>A on the coding strand, the complement: PKP2 is on the minus strand). VCF-style: chr12-32841205-C-T. GRCh37 (hg19) VCF-style: chr12-32994139-C-T.
Other names: c.1511G>A, p.Gly504Asp (NM_004572.4); short protein forms G504D, G460D.
Identifiers: ClinVar variation 652340 (VCV000652340.6), dbSNP rs755399089, ClinGen allele CA384368186.